The following is an entry in ClinVar:

ClinVar aggregate classification (germline): Uncertain significance (1 of 4 stars; one submission).

Submission:

GeneDx
Classification: Uncertain significance. Last evaluated: 2024-09-25. Review status: criteria provided, single submitter. Criteria: GeneDx Variant Classification Process June 2021. Collection method: clinical testing. Allele origin: germline. Affected: yes.
Comment: Not observed at significant frequency in large population cohorts (gnomAD); In silico analysis supports that this missense variant has a deleterious effect on protein structure/function; Has not been previously published as pathogenic or benign to our knowledge

NM_004859.4(CLTC):c.764A>G (p.Glu255Gly)

Gene: CLTC (clathrin heavy chain; plus strand). Cytogenetic location: 17q23.1.
Variant type: single nucleotide variant.
Coding change: c.764A>G on transcript NM_004859.4 (MANE Select); coding-DNA position 764, A replaced by G.
Protein change: p.Glu255Gly; replaces glutamic acid 255 with glycine.
Molecular consequence: missense variant.
Genome position (GRCh38, 1-based): chr17:59,651,285, A>G. VCF-style: chr17-59651285-A-G. GRCh37 (hg19) VCF-style: chr17-57728646-A-G.
Other names: c.776A>G, p.Glu259Gly (NM_001288653.2); short protein forms E255G, E259G.
Identifiers: ClinVar variation 3774738 (VCV003774738.1).